The following is an entry in ClinVar:

ClinVar aggregate classification (germline): Pathogenic (1 of 4 stars; one submission).

Conditions:
Early-infantile DEE. Also called: Ohtahara syndrome; Early infantile epileptic encephalopathy with suppression bursts; Early infantile epileptic encephalopathy. Identifiers: Orphanet 1934, MedGen C0393706, MONDO:0800491.

Submission:

Labcorp Genetics (formerly Invitae), Labcorp
Classification: Pathogenic for Early-infantile DEE. Last evaluated: 2023-12-09. Review status: criteria provided, single submitter. Criteria: Invitae Variant Classification Sherloc (09022015). Collection method: clinical testing. Allele origin: germline.
Comment: This sequence change creates a premature translational stop signal (p.Glu220*) in the SLC25A22 gene. It is expected to result in an absent or disrupted protein product. Loss-of-function variants in SLC25A22 are known to be pathogenic (PMID: 15592994, 19780765). This variant is not present in population databases (gnomAD no frequency). This variant has not been reported in the literature in individuals affected with SLC25A22-related conditions. For these reasons, this variant has been classified as Pathogenic.

Literature cited by the submitters: PubMed 15592994; PubMed 19780765.

NM_001191061.2(SLC25A22):c.658G>T (p.Glu220Ter)

Gene: SLC25A22 (solute carrier family 25 member 22; minus strand). Cytogenetic location: 11p15.5.
Variant type: single nucleotide variant.
Coding change: c.658G>T on transcript NM_001191061.2 (MANE Select); coding-DNA position 658, G replaced by T.
Protein change: p.Glu220Ter; replaces glutamic acid 220 with a stop codon.
Molecular consequence: nonsense.
Genome position (GRCh38, 1-based): chr11:792,388, C>A on the plus strand (G>T on the coding strand, the complement: SLC25A22 is on the minus strand). VCF-style: chr11-792388-C-A. GRCh37 (hg19) VCF-style: chr11-792388-C-A.
Other names: c.658G>T, p.Glu220Ter (NM_001191060.2, NM_001425337.1, NM_001425338.1 and 4 more transcripts); c.733G>T, p.Glu245Ter (NM_001425334.1); c.697G>T, p.Glu233Ter (NM_001425335.1); c.673G>T, p.Glu225Ter (NM_001425336.1); c.655G>T, p.Glu219Ter (NM_001425340.1); c.646G>T, p.Glu216Ter (NM_001425341.1); c.340G>T, p.Glu114Ter (NM_001425344.1); short protein forms E233*, E114*, E216*, E219*, E225*, E220*, E245*.
Identifiers: ClinVar variation 2701842 (VCV002701842.3), dbSNP rs781132225, ClinGen allele CA378968906.
Genomic context (GRCh38, chr11:792,388, plus strand): 5'-CGGCGGCACTCCCAGCCACACAGCCGGCCAGGAAGGACACGTAGAAAGGCGACTTCTCCT[C>A]GGACGCCGGGCGGCCCAGCTGGTTCAGGTTGGCAAAGAGCGGGAAGTACACCACAGAGAA-3'